The following is an entry in ClinVar:

ClinVar aggregate classification (germline): Uncertain significance (1 of 4 stars; one submission).

Submission:

GeneDx
Classification: Uncertain significance. Last evaluated: 2023-08-18. Review status: criteria provided, single submitter. Criteria: GeneDx Variant Classification Process June 2021. Collection method: clinical testing. Allele origin: germline. Affected: yes.
Comment: Not observed at significant frequency in large population cohorts (gnomAD); In silico analysis supports that this missense variant does not alter protein structure/function; Has not been previously published as pathogenic or benign to our knowledge

NM_014991.6(WDFY3):c.7145A>G (p.Lys2382Arg)

Gene: WDFY3 (WD repeat and FYVE domain containing 3; minus strand). Cytogenetic location: 4q21.23.
Variant type: single nucleotide variant.
Coding change: c.7145A>G on transcript NM_014991.6 (MANE Select); coding-DNA position 7145, A replaced by G.
Protein change: p.Lys2382Arg; replaces lysine 2382 with arginine.
Molecular consequence: missense variant.
Genome position (GRCh38, 1-based): chr4:84,733,458, T>C on the plus strand (A>G on the coding strand, the complement: WDFY3 is on the minus strand). VCF-style: chr4-84733458-T-C. GRCh37 (hg19) VCF-style: chr4-85654611-T-C.
Other names: short protein forms K2382R.
Identifiers: ClinVar variation 2574549 (VCV002574549.3), dbSNP rs2531888644, ClinGen allele CA357548647.